The following is an entry in ClinVar:

ClinVar aggregate classification (germline): Uncertain significance (1 of 4 stars; one submission).

Submission:

GeneDx
Classification: Uncertain significance. Last evaluated: 2019-04-23. Review status: criteria provided, single submitter. Criteria: GeneDx Variant Classification Process June 2021. Collection method: clinical testing. Allele origin: germline. Affected: yes.
Comment: Not observed in large population cohorts (Lek et al., 2016); In silico analysis, which includes protein predictors and evolutionary conservation, supports that this variant does not alter protein structure/function; Has not been previously published as pathogenic or benign to our knowledge

NM_004370.6(COL12A1):c.3404T>G (p.Val1135Gly)

Gene: COL12A1 (collagen type XII alpha 1 chain; minus strand). Cytogenetic location: 6q13.
Variant type: single nucleotide variant.
Coding change: c.3404T>G on transcript NM_004370.6 (MANE Select); coding-DNA position 3404, T replaced by G.
Protein change: p.Val1135Gly; replaces valine 1135 with glycine.
Molecular consequence: missense variant. On other transcripts: intron variant (1).
Genome position (GRCh38, 1-based): chr6:75,155,701, A>C on the plus strand (T>G on the coding strand, the complement: COL12A1 is on the minus strand). VCF-style: chr6-75155701-A-C. GRCh37 (hg19) VCF-style: chr6-75865417-A-C.
Other names: c.74-3219T>G (NM_080645.3); short protein forms V1135G.
Identifiers: ClinVar variation 1315613 (VCV001315613.2), dbSNP rs2149423016, ClinGen allele CA364752126.